The following is an entry in ClinVar:

ClinVar aggregate classification (germline): Uncertain significance (1 of 4 stars; one submission).

Conditions:
Cardiovascular phenotype. Identifiers: MedGen CN230736.

gnomAD v4.1: 17 of 1,614,170 alleles (0.0011%); highest among the groups gnomAD compares: Non-Finnish European, 0.0014%; no homozygotes.

Submission:

Ambry Genetics
Classification: Uncertain significance for Cardiovascular phenotype. Last evaluated: 2025-04-30. Review status: criteria provided, single submitter. Criteria: Ambry Variant Classification Scheme 2023. Collection method: clinical testing. Allele origin: germline.
Comment: The p.D1357E variant (also known as c.4071C>A), located in coding exon 25 of the APOB gene, results from a C to A substitution at nucleotide position 4071. The aspartic acid at codon 1357 is replaced by glutamic acid, an amino acid with highly similar properties. This amino acid position is conserved. In addition, this alteration is predicted to be tolerated by in silico analysis. Based on the available evidence, the clinical significance of this variant remains unclear.

NM_000384.3(APOB):c.4071C>A (p.Asp1357Glu)

Gene: APOB (apolipoprotein B; minus strand). Cytogenetic location: 2p24.1.
Variant type: single nucleotide variant.
Coding change: c.4071C>A on transcript NM_000384.3 (MANE Select); coding-DNA position 4071, C replaced by A.
Protein change: p.Asp1357Glu; replaces aspartic acid 1357 with glutamic acid.
Molecular consequence: missense variant.
Genome position (GRCh38, 1-based): chr2:21,013,305, G>T on the plus strand (C>A on the coding strand, the complement: APOB is on the minus strand). VCF-style: chr2-21013305-G-T. GRCh37 (hg19) VCF-style: chr2-21236177-G-T.
Other names: short protein forms D1357E.
Identifiers: ClinVar variation 3932935 (VCV003932935.1).